The following is an entry in ClinVar:

NM_001193313.2(SUGCT):c.1226C>T (p.Thr409Met)

Gene: SUGCT (succinyl-CoA:glutarate-CoA transferase; plus strand). Cytogenetic location: 7p14.1.
Variant type: single nucleotide variant.
Coding change: c.1226C>T on transcript NM_001193313.2 (MANE Select); coding-DNA position 1226, C replaced by T.
Protein change: p.Thr409Met; replaces threonine 409 with methionine.
Molecular consequence: missense variant.
Genome position (GRCh38, 1-based): chr7:40,860,388, C>T. VCF-style: chr7-40860388-C-T. GRCh37 (hg19) VCF-style: chr7-40899987-C-T.
Other names: c.1304C>T, p.Thr435Met (NM_001193311.2); c.1082C>T, p.Thr361Met (NM_001193312.2); c.1193C>T, p.Thr398Met (NM_024728.3); c.1325C>T (NM_001193311.1); short protein forms T405M, T361M, T398M, T409M, T435M.
Identifiers: ClinVar variation 559299 (VCV000559299.53), dbSNP rs192063213, ClinGen allele CA4229784.

ClinVar aggregate classification (germline): Benign/Likely benign. Review status: criteria provided, multiple submitters, no conflicts (2 of 4 stars). 4 submissions from 4 submitters: Benign (1); Likely benign (1). 2 of the submissions do not count toward it. Last evaluated 2026-02-03.

Conditions:
SUGCT-related disorder. Also called: SUGCT-related condition.

Allele frequency attached by ClinVar (database versions not stated): 1000 Genomes Project 30x 0.00187; TOPMed 0.00201; 1000 Genomes Project 0.00220; ESP Exome Variant Server 0.00275; ExAC 0.00493; gnomAD exomes 0.00524; gnomAD 0.00672.
gnomAD v4.1: 6,853 of 1,614,006 alleles (0.42%); highest among the groups gnomAD compares: South Asian, 0.42%; 54 homozygotes.

Submissions (4):

Labcorp Genetics (formerly Invitae), Labcorp
Classification: Benign. Last evaluated: 2026-02-03. Review status: criteria provided, single submitter. Criteria: Invitae Variant Classification Sherloc (09022015). Collection method: clinical testing. Allele origin: germline.

CeGaT Center for Human Genetics Tuebingen
Classification: Likely benign. Last evaluated: 2025-05-01. Review status: criteria provided, single submitter. Criteria: CeGaT Center For Human Genetics Tuebingen Variant Classification Criteria Version 2. Collection method: clinical testing. Allele origin: germline. Affected: yes. Observed: 3 variant alleles.
Comment: SUGCT: BP4, BS2

PreventionGenetics, part of Exact Sciences
Classification: Likely benign for SUGCT-related condition. Last evaluated: 2020-11-25. Review status: no assertion criteria provided. Collection method: clinical testing. Allele origin: germline. Not counted in ClinVar's aggregate classification.
Comment: This variant is classified as likely benign based on ACMG/AMP sequence variant interpretation guidelines (Richards et al. 2015 PMID: 25741868, with internal and published modifications).

Mayo Clinic Laboratories, Mayo Clinic
Classification: Likely benign. Last evaluated: 2018-01-11. Review status: no assertion criteria provided. Collection method: clinical testing. Allele origin: unknown. Not counted in ClinVar's aggregate classification.